The following is an entry in ClinVar:

ClinVar aggregate classification (germline): Uncertain significance (1 of 4 stars; one submission).

Conditions:
Ullrich congenital muscular dystrophy 2 (UCMD2). Identifiers: Orphanet 75840, MedGen C4225314, MONDO:0014654, OMIM 616470.
Bethlem myopathy 2 (BTHLM2). Identifiers: Orphanet 536516, Orphanet 610, MedGen C4225313, MONDO:0034022, OMIM 616471.

Submission:

Labcorp Genetics (formerly Invitae), Labcorp
Classification: Uncertain significance for Bethlem myopathy 2; Ullrich congenital muscular dystrophy 2. Last evaluated: 2024-06-02. Review status: criteria provided, single submitter. Criteria: Invitae Variant Classification Sherloc (09022015). Collection method: clinical testing. Allele origin: germline.
Comment: This sequence change replaces aspartic acid, which is acidic and polar, with glutamic acid, which is acidic and polar, at codon 1199 of the COL12A1 protein (p.Asp1199Glu). This variant is not present in population databases (gnomAD no frequency). This variant has not been reported in the literature in individuals affected with COL12A1-related conditions. Advanced modeling of protein sequence and biophysical properties (such as structural, functional, and spatial information, amino acid conservation, physicochemical variation, residue mobility, and thermodynamic stability) has been performed at Invitae for this missense variant, however the output from this modeling did not meet the statistical confidence thresholds required to predict the impact of this variant on COL12A1 protein function. In summary, the available evidence is currently insufficient to determine the role of this variant in disease. Therefore, it has been classified as a Variant of Uncertain Significance.

NM_004370.6(COL12A1):c.3597C>A (p.Asp1199Glu)

Gene: COL12A1 (collagen type XII alpha 1 chain; minus strand). Cytogenetic location: 6q13.
Variant type: single nucleotide variant.
Coding change: c.3597C>A on transcript NM_004370.6 (MANE Select); coding-DNA position 3597, C replaced by A.
Protein change: p.Asp1199Glu; replaces aspartic acid 1199 with glutamic acid.
Molecular consequence: missense variant.
Genome position (GRCh38, 1-based): chr6:75,152,451, G>T on the plus strand (C>A on the coding strand, the complement: COL12A1 is on the minus strand). VCF-style: chr6-75152451-G-T. GRCh37 (hg19) VCF-style: chr6-75862167-G-T.
Other names: c.3597C>A, p.Asp1199Glu (NM_001424113.1, NM_001424114.1); c.3324C>A, p.Asp1108Glu (NM_001424115.1); c.105C>A, p.Asp35Glu (NM_001424116.1, NM_080645.3); short protein forms D1108E, D1199E, D35E.
Identifiers: ClinVar variation 3752540 (VCV003752540.2).